The following is an entry in ClinVar:

NM_002661.5(PLCG2):c.2055-8_2055-7delinsCT

Gene: PLCG2 (phospholipase C gamma 2; plus strand). Cytogenetic location: 16q23.3.
Variant type: Indel.
Coding change: c.2055-8_2055-7delinsCT on transcript NM_002661.5 (MANE Select); 8 bases into the intron before coding-DNA position 2055 through 7 bases into the intron before coding-DNA position 2055, TG replaced by CT.
Molecular consequence: intron variant.
Genome position (GRCh38, 1-based): chr16:81,919,476-81,919,477, TG replaced by CT. VCF-style: chr16-81919476-TG-CT. GRCh37 (hg19) VCF-style: chr16-81953081-TG-CT.
Other names: c.2055-8_2055-7delinsCT (NM_001425751.1, NM_001425749.1, NM_001425750.1).
Identifiers: ClinVar variation 3722714 (VCV003722714.2).

ClinVar aggregate classification (germline): Uncertain significance (1 of 4 stars; one submission).

Conditions:
Familial cold autoinflammatory syndrome 3 (FCAS3). Also called: FAMILIAL ATYPICAL COLD URTICARIA; ANTIBODY DEFICIENCY AND IMMUNE DYSREGULATION, PLCG2-ASSOCIATED. Identifiers: Orphanet 300359, MedGen C3280914, MONDO:0013766, OMIM 614468.

Submission:

Labcorp Genetics (formerly Invitae), Labcorp
Classification: Uncertain significance for Familial cold autoinflammatory syndrome 3. Last evaluated: 2024-10-11. Review status: criteria provided, single submitter. Criteria: Invitae Variant Classification Sherloc (09022015). Collection method: clinical testing. Allele origin: germline.
Comment: This sequence change falls in intron 19 of the PLCG2 gene. It does not directly change the encoded amino acid sequence of the PLCG2 protein. Information on the frequency of this variant in the gnomAD database is not available, as this variant may be reported differently in the database. This variant has not been reported in the literature in individuals affected with PLCG2-related conditions. Experimental studies and prediction algorithms are not available or were not evaluated, and the effect of this variant on mRNA splicing is currently unknown. In summary, the available evidence is currently insufficient to determine the role of this variant in disease. Therefore, it has been classified as a Variant of Uncertain Significance.